The following is an entry in ClinVar:

NM_006158.5(NEFL):c.668T>C (p.Leu223Pro)

Gene: NEFL (neurofilament light chain; minus strand). Cytogenetic location: 8p21.2.
Variant type: single nucleotide variant.
Coding change: c.668T>C on transcript NM_006158.5 (MANE Select); coding-DNA position 668, T replaced by C.
Protein change: p.Leu223Pro; replaces leucine 223 with proline.
Molecular consequence: missense variant.
Genome position (GRCh38, 1-based): chr8:24,955,848, A>G on the plus strand (T>C on the coding strand, the complement: NEFL is on the minus strand). VCF-style: chr8-24955848-A-G. GRCh37 (hg19) VCF-style: chr8-24813362-A-G.
Other names: short protein forms L223P.
Identifiers: ClinVar variation 580311 (VCV000580311.7), dbSNP rs1563251953, ClinGen allele CA370621894.

ClinVar aggregate classification (germline): Uncertain significance (1 of 4 stars; one submission).

Conditions:
Charcot-Marie-Tooth disease type 2E (CMT2E). Also called: CHARCOT-MARIE-TOOTH DISEASE, AXONAL, TYPE 2E; CHARCOT-MARIE-TOOTH NEUROPATHY, TYPE 2E. Identifiers: Orphanet 99939, MedGen C1843225, MONDO:0011894, OMIM 607684.

Submission:

Labcorp Genetics (formerly Invitae), Labcorp
Classification: Uncertain significance for Charcot-Marie-Tooth disease type 2E. Last evaluated: 2019-11-26. Review status: criteria provided, single submitter. Criteria: Invitae Variant Classification Sherloc (09022015). Collection method: clinical testing. Allele origin: germline.
Comment: In summary, the available evidence is currently insufficient to determine the role of this variant in disease. Therefore, it has been classified as a Variant of Uncertain Significance. Algorithms developed to predict the effect of missense changes on protein structure and function (SIFT, PolyPhen-2, Align-GVGD) all suggest that this variant is likely to be disruptive, but these predictions have not been confirmed by published functional studies and their clinical significance is uncertain. This variant has not been reported in the literature in individuals with NEFL-related disease. This variant is not present in population databases (ExAC no frequency). This sequence change replaces leucine with proline at codon 223 of the NEFL protein (p.Leu223Pro). The leucine residue is highly conserved and there is a moderate physicochemical difference between leucine and proline.